The following is an entry in ClinVar:

ClinVar aggregate classification (germline): Uncertain significance (1 of 4 stars; one submission).

Conditions:
Adenylosuccinate lyase deficiency (ADSLD). Also called: ADSL DEFICIENCY. Identifiers: Orphanet 46, MedGen C0268126, MONDO:0007068, OMIM 103050.

Submission:

Labcorp Genetics (formerly Invitae), Labcorp
Classification: Uncertain significance for Adenylosuccinate lyase deficiency. Last evaluated: 2019-12-02. Review status: criteria provided, single submitter. Criteria: Invitae Variant Classification Sherloc (09022015). Collection method: clinical testing. Allele origin: germline.
Comment: This sequence change replaces methionine with leucine at codon 181 of the ADSL protein (p.Met181Leu). The methionine residue is highly conserved and there is a small physicochemical difference between methionine and leucine. This variant is not present in population databases (ExAC no frequency). This variant has not been reported in the literature in individuals with ADSL-related disease. Algorithms developed to predict the effect of missense changes on protein structure and function (SIFT, PolyPhen-2, Align-GVGD) all suggest that this variant is likely to be tolerated, but these predictions have not been confirmed by published functional studies and their clinical significance is uncertain. In summary, the available evidence is currently insufficient to determine the role of this variant in disease. Therefore, it has been classified as a Variant of Uncertain Significance.

NM_000026.4(ADSL):c.541A>T (p.Met181Leu)

Gene: ADSL (adenylosuccinate lyase; plus strand). Cytogenetic location: 22q13.1.
Variant type: single nucleotide variant.
Coding change: c.541A>T on transcript NM_000026.4 (MANE Select); coding-DNA position 541, A replaced by T.
Protein change: p.Met181Leu; replaces methionine 181 with leucine.
Molecular consequence: missense variant. On other transcripts: non-coding transcript variant (1).
Genome position (GRCh38, 1-based): chr22:40,358,922, A>T. VCF-style: chr22-40358922-A-T. GRCh37 (hg19) VCF-style: chr22-40754926-A-T.
Other names: c.541A>T, p.Met181Leu (NM_001123378.3, NM_001363840.3); c.349A>T, p.Met117Leu (NM_001317923.2); short protein forms M181L, M117L.
Identifiers: ClinVar variation 529211 (VCV000529211.10), dbSNP rs768542145, ClinGen allele CA411640767.